The following is an entry in ClinVar:

ClinVar aggregate classification (germline): Uncertain significance (1 of 4 stars; one submission).

Conditions:
TP63-Related Spectrum Disorders.

Submission:

Labcorp Genetics (formerly Invitae), Labcorp
Classification: Uncertain significance. Last evaluated: 2018-11-03. Review status: criteria provided, single submitter. Criteria: Invitae Variant Classification Sherloc (09022015). Collection method: clinical testing. Allele origin: germline.
Comment: In summary, the available evidence is currently insufficient to determine the role of this variant in disease. Therefore, it has been classified as a Variant of Uncertain Significance. The current clinical and genetic evidence is not sufficient to establish whether loss-of-function variants in TP63 cause disease. This variant has not been reported in the literature in individuals with TP63-related disease. This variant is an out-of-frame deletion of the genomic region encompassing exons 5 to 10 of the TP63 gene. This is expected to create a premature translational stop signal and result in an absent or disrupted protein product.

NC_000003.12:g.(?_189864212)_(189873015_?)del

Gene: TP63 (tumor protein p63; plus strand). Cytogenetic location: 3q28.
Variant type: Deletion.
Identifiers: ClinVar variation 655216 (VCV000655216.6).